The following is an entry in ClinVar:

NM_001378615.1(CC2D2A):c.2222_2229dup (p.Phe744fs)

Genes: CC2D2A (coiled-coil and C2 domain containing 2A; plus strand), FBXL5 (F-box and leucine rich repeat protein 5; minus strand). Cytogenetic location: 4p15.32.
Variant type: Duplication.
Coding change: c.2222_2229dup on transcript NM_001378615.1 (MANE Select); coding-DNA positions 2222 to 2229, 8 bases duplicated (CAGAAGTG; older notation c.2222_2229dupCAGAAGTG).
Protein change: p.Phe744fs; shifts the reading frame from phenylalanine 744.
Molecular consequence: frameshift variant.
Genome position (GRCh38, 1-based): chr4:15,550,864-15,550,871, CAGAAGTG duplicated; duplicating any 8 consecutive bases within chr4:15,550,863-15,550,871 gives the same sequence; the c. name uses the placement nearest the transcript's 3' end. VCF-style (leftmost placement, unchanged base first): chr4-15550862-A-AGCAGAAGT. GRCh37 (hg19) VCF-style: chr4-15552485-A-AGCAGAAGT.
Other names: c.2222_2229dup, p.Phe744fs (NM_001080522.2); c.2075_2082dup, p.Phe695fs (NM_001378617.1); short protein forms F695fs, F744fs.
Identifiers: ClinVar variation 864745 (VCV000864745.10), dbSNP rs1471484901, ClinGen allele CA549891922.

ClinVar aggregate classification (germline): Pathogenic/Likely pathogenic. Review status: criteria provided, multiple submitters, no conflicts (2 of 4 stars). 3 submissions from 3 submitters: Pathogenic (2); Likely pathogenic (1). Last evaluated 2025-06-12.

Conditions:
Meckel-Gruber syndrome. Also called: Dysencephalia splachnocystica; DYSENCEPHALIA SPLANCHNOCYSTICA; GRUBER SYNDROME. Identifiers: Orphanet 564, MedGen C0265215, MONDO:0018921.
Joubert syndrome. Also called: JOUBERT-BOLTSHAUSER SYNDROME; Familial aplasia of the vermis. Identifiers: Orphanet 475, MedGen C5979921, MONDO:0018772.
Meckel syndrome, type 6. Identifiers: Orphanet 564, MedGen C2676790, MONDO:0012848, OMIM 612284.
Joubert syndrome 9 (JBTS9). Identifiers: Orphanet 2318, MedGen C2676788, MONDO:0012849, OMIM 612285.
COACH syndrome 2. Identifiers: MedGen C5436837, MONDO:0030859, OMIM 619111.
Retinitis pigmentosa 93. Identifiers: MedGen C5676970, MONDO:0030797, OMIM 619845.
Joubert syndrome and related disorders. Identifiers: Orphanet 140874, MedGen C5679612, MONDO:0015369.

Submissions (3):

Labcorp Genetics (formerly Invitae), Labcorp
Classification: Pathogenic for Joubert syndrome; Meckel-Gruber syndrome. Last evaluated: 2025-06-12. Review status: criteria provided, single submitter. Criteria: Invitae Variant Classification Sherloc (09022015). Collection method: clinical testing. Allele origin: germline.
Comment: This sequence change creates a premature translational stop signal (p.Phe744Glnfs*30) in the CC2D2A gene. It is expected to result in an absent or disrupted protein product. Loss-of-function variants in CC2D2A are known to be pathogenic (PMID: 19777577). This variant is present in population databases (no rsID available, gnomAD 0.007%). This variant has not been reported in the literature in individuals affected with CC2D2A-related conditions. ClinVar contains an entry for this variant (Variation ID: 864745). For these reasons, this variant has been classified as Pathogenic.

Myriad Genetics, Inc.
Classification: Pathogenic for Joubert syndrome and related disorders. Last evaluated: 2024-11-20. Review status: criteria provided, single submitter. Criteria: Myriad Autosomal Dominant, Autosomal Recessive and X-Linked Classification Criteria (2023). Collection method: clinical testing. Allele origin: unknown.
Comment: NM_001080522.2(CC2D2A):c.2222_2229dup8(F744Qfs*30) is expected to be pathogenic in the context of CC2D2A-related disorders. This variant is predicted to lead to an abnormal or absent protein product due to the creation of a premature termination codon in CC2D2A, a gene where loss-of-function variants are known to be pathogenic. Please note: this variant was assessed in the context of healthy population screening.

Fulgent Genetics
Classification: Likely pathogenic for Meckel syndrome, type 6; Joubert syndrome 9; COACH syndrome 2; Retinitis pigmentosa 93. Last evaluated: 2024-03-08. Review status: criteria provided, single submitter. Criteria: ACMG Guidelines, 2015. Collection method: clinical testing. Allele origin: germline.

Literature cited by the submitters: PubMed 19777577 (cited by Labcorp Genetics (formerly Invitae), Labcorp).